The following is an entry in ClinVar:

ClinVar aggregate classification (germline): Pathogenic/Likely pathogenic. Review status: criteria provided, multiple submitters, no conflicts (2 of 4 stars). 2 submissions from 2 submitters: Pathogenic (1); Likely pathogenic (1). Last evaluated 2025-11-19.

Conditions:
Autosomal dominant and autosomal recessive FLG-related disorders.

Submissions (2):

Variantyx, Inc.
Classification: Likely pathogenic for Autosomal dominant and autosomal recessive FLG-related disorders. Last evaluated: 2025-11-19. Review status: criteria provided, single submitter. Criteria: Variantyx Assertion Criteria 2022. Collection method: clinical testing. Allele origin: germline. Inheritance: Semidominant inheritance. Affected: no.
Comment: This is a frameshift variant in the FLG gene (OMIM: 135940). Pathogenic variants in this gene have been associated with autosomal semidominant FLG-related disorders. This variant introduces a premature termination codon in exon 3 out of 3 and is expected to result in loss of function, which is a known disease mechanism for FLG in this disorder (PMID: 18521703, 17291859, 20159264) (PVS1). This variant is absent from control populations (PM2). Based on the current evidence, this variant is classified as likely pathogenic for autosomal semidominant FLG-related disorders.

GeneDx
Classification: Pathogenic. Last evaluated: 2024-06-30. Review status: criteria provided, single submitter. Criteria: GeneDx Variant Classification Process June 2021. Collection method: clinical testing. Allele origin: germline. Affected: yes.
Comment: Frameshift variant predicted to result in abnormal protein length as the last 1727 amino acids are replaced with 31 different amino acids, and other similar variants have been reported in HGMD; Not observed at significant frequency in large population cohorts (gnomAD); Has not been previously published as pathogenic or benign to our knowledge; This variant is associated with the following publications: (PMID: 16444271)

Literature cited by the submitters: PubMed 18521703 (cited by Variantyx, Inc.); PubMed 17291859 (cited by Variantyx, Inc.); PubMed 20159264 (cited by Variantyx, Inc.).

NM_002016.2(FLG):c.7003dup (p.Gln2335fs)

Genes: CCDST (cervical cancer associated DHX9 suppressive transcript; plus strand), FLG (filaggrin; minus strand). Cytogenetic location: 1q21.3.
Variant type: Duplication.
Coding change: c.7003dup on transcript NM_002016.2 (MANE Select); coding-DNA position 7003, one base duplicated (C; older notation c.7003dupC).
Protein change: p.Gln2335fs; shifts the reading frame from glutamine 2335.
Molecular consequence: frameshift variant.
Genome position (GRCh38, 1-based): chr1:152,307,883, G duplicated on the plus strand (C on the coding strand, the reverse complement: FLG is on the minus strand); the first of 2 consecutive G bases (chr1:152,307,883-152,307,884); duplicating either gives the same sequence. VCF-style (leftmost placement, unchanged base first): chr1-152307882-T-TG. GRCh37 (hg19) VCF-style: chr1-152280358-T-TG.
Other names: c.7003dup (NM_002016.1); short protein forms Q2335fs.
Identifiers: ClinVar variation 3393551 (VCV003393551.1), dbSNP rs1199963642.